The following is an entry in ClinVar:

ClinVar aggregate classification (germline): Conflicting classifications of pathogenicity. Review status: criteria provided, conflicting classifications (1 of 4 stars). 2 submissions from 2 submitters: Uncertain significance (1); Benign (1). Last evaluated 2026-09-30.

Conditions:
Adams-Oliver syndrome 5 (AOS5). Identifiers: Orphanet 974, MedGen C4014970, MONDO:0014459, OMIM 616028.

Allele frequency attached by ClinVar (database versions not stated): 1000 Genomes Project 30x 0.00016; gnomAD 0.00001; gnomAD exomes 0.00001 and 0.00002; TOPMed 0.00001; 1000 Genomes Project 0.00020; ExAC 0.00002.
gnomAD v4.1: 25 of 1,611,004 alleles (0.0016%); highest among the groups gnomAD compares: East Asian, 0.011%; no homozygotes.

Submissions (2):

GeneDx
Classification: Uncertain significance. Last evaluated: 2026-09-30. Review status: criteria provided, single submitter. Criteria: GeneDx Variant Classification Process June 2021. Collection method: clinical testing. Allele origin: germline.
Comment: In silico analysis suggests that this missense variant does not alter protein structure/function; Has not been previously published as pathogenic or benign to our knowledge; This variant is associated with the following publications: (PMID: 38528912)

Labcorp Genetics (formerly Invitae), Labcorp
Classification: Benign for Adams-Oliver syndrome 5. Last evaluated: 2025-10-13. Review status: criteria provided, single submitter. Criteria: Invitae Variant Classification Sherloc (09022015). Collection method: clinical testing. Allele origin: germline.

NM_017617.5(NOTCH1):c.3829G>A (p.Asp1277Asn)

Gene: NOTCH1 (notch receptor 1; minus strand). Cytogenetic location: 9q34.3.
Variant type: single nucleotide variant.
Coding change: c.3829G>A on transcript NM_017617.5 (MANE Select); coding-DNA position 3829, G replaced by A.
Protein change: p.Asp1277Asn; replaces aspartic acid 1277 with asparagine.
Molecular consequence: missense variant.
Genome position (GRCh38, 1-based): chr9:136,506,788, C>T on the plus strand (G>A on the coding strand, the complement: NOTCH1 is on the minus strand). VCF-style: chr9-136506788-C-T. GRCh37 (hg19) VCF-style: chr9-139401240-C-T.
Other names: c.3829G>A, p.Asp1277Asn (LRG_1122t1); short protein forms D1277N.
Identifiers: ClinVar variation 544185 (VCV000544185.13), dbSNP rs550872754, ClinGen allele CA5340794.
Genomic context (GRCh38, chr9:136,506,788, plus strand): 5'-CACGGCACTCGCAGTGGAAGTCATTGACGCGCTGCACGCAGTTCTGGGTGCCACGGGCGT[C>T]GCAGGGATTGGACAGGCACTCGTTGACATCCCCCTCACAGCGCTCACCCACGAAGCCCGG-3'
Protein context (NP_060087.3, residues 1267-1287): DVNECLSNPC[Asp1277Asn]ARGTQNCVQR